The following is an entry in ClinVar:

NM_000361.3(THBD):c.1696G>T (p.Val566Leu)

Gene: THBD (thrombomodulin; minus strand). Cytogenetic location: 20p11.21.
Variant type: single nucleotide variant.
Coding change: c.1696G>T on transcript NM_000361.3 (MANE Select); coding-DNA position 1696, G replaced by T.
Protein change: p.Val566Leu; replaces valine 566 with leucine.
Molecular consequence: missense variant.
Genome position (GRCh38, 1-based): chr20:23,047,809, C>A on the plus strand (G>T on the coding strand, the complement: THBD is on the minus strand). VCF-style: chr20-23047809-C-A. GRCh37 (hg19) VCF-style: chr20-23028446-C-A.
Other names: short protein forms V566L.
Identifiers: ClinVar variation 2844169 (VCV002844169.3), dbSNP rs912809279, ClinGen allele CA408404993.

ClinVar aggregate classification (germline): Uncertain significance (1 of 4 stars; one submission).

Submission:

Labcorp Genetics (formerly Invitae), Labcorp
Classification: Uncertain significance. Last evaluated: 2024-03-09. Review status: criteria provided, single submitter. Criteria: Invitae Variant Classification Sherloc (09022015). Collection method: clinical testing. Allele origin: germline.
Comment: This sequence change replaces valine, which is neutral and non-polar, with leucine, which is neutral and non-polar, at codon 566 of the THBD protein (p.Val566Leu). This variant is present in population databases (no rsID available, gnomAD 0.004%). This variant has not been reported in the literature in individuals affected with THBD-related conditions. An algorithm developed to predict the effect of missense changes on protein structure and function (PolyPhen-2) suggests that this variant is likely to be tolerated. In summary, the available evidence is currently insufficient to determine the role of this variant in disease. Therefore, it has been classified as a Variant of Uncertain Significance.